The following is an entry in ClinVar:

ClinVar aggregate classification (germline): Uncertain significance. Review status: criteria provided, multiple submitters, no conflicts (2 of 4 stars). 3 submissions from 3 submitters: Uncertain significance (3). Last evaluated 2025-03-31.

Conditions:
Inborn genetic diseases. Identifiers: MedGen C0950123, MeSH D030342.
Hajdu-Cheney syndrome (HJCYS). Also called: ACROOSTEOLYSIS WITH OSTEOPOROSIS AND CHANGES IN SKULL AND MANDIBLE; SERPENTINE FIBULA-POLYCYSTIC KIDNEY SYNDROME; Acroosteolysis dominant type. Identifiers: Orphanet 955, MedGen C0917715, MONDO:0007057, OMIM 102500.
Alagille syndrome due to a NOTCH2 point mutation. Also called: Alagille syndrome 2. Identifiers: Orphanet 261629, Orphanet 52, MedGen C1857761, MONDO:0012439, OMIM 610205.

Allele frequency attached by ClinVar (database versions not stated): ExAC 0.00001; TOPMed 0.00003; gnomAD 0.00005.
gnomAD v4.1: 154 of 1,613,804 alleles (0.0095%); highest among the groups gnomAD compares: Non-Finnish European, 0.012%; no homozygotes.

Submissions (3):

Labcorp Genetics (formerly Invitae), Labcorp
Classification: Uncertain significance for Hajdu-Cheney syndrome. Last evaluated: 2025-03-31. Review status: criteria provided, single submitter. Criteria: Invitae Variant Classification Sherloc (09022015). Collection method: clinical testing. Allele origin: germline.
Comment: This sequence change replaces histidine, which is basic and polar, with glutamine, which is neutral and polar, at codon 550 of the NOTCH2 protein (p.His550Gln). The frequency data for this variant in the population databases is considered unreliable, as metrics indicate poor data quality at this position in the gnomAD database. This variant has not been reported in the literature in individuals affected with NOTCH2-related conditions. ClinVar contains an entry for this variant (Variation ID: 2062573). Invitae Evidence Modeling of protein sequence and biophysical properties (such as structural, functional, and spatial information, amino acid conservation, physicochemical variation, residue mobility, and thermodynamic stability) indicates that this missense variant is not expected to disrupt NOTCH2 protein function with a negative predictive value of 80%. In summary, the available evidence is currently insufficient to determine the role of this variant in disease. Therefore, it has been classified as a Variant of Uncertain Significance.

Fulgent Genetics
Classification: Uncertain significance for Hajdu-Cheney syndrome; Alagille syndrome due to a NOTCH2 point mutation. Last evaluated: 2024-04-16. Review status: criteria provided, single submitter. Criteria: ACMG Guidelines, 2015. Collection method: clinical testing. Allele origin: germline.

Ambry Genetics
Classification: Uncertain significance for Inborn genetic diseases. Last evaluated: 2021-11-08. Review status: criteria provided, single submitter. Criteria: Ambry Variant Classification Scheme 2023. Collection method: clinical testing. Allele origin: germline.

NM_024408.4(NOTCH2):c.1650C>A (p.His550Gln)

Gene: NOTCH2 (notch receptor 2; minus strand). Cytogenetic location: 1p12.
Variant type: single nucleotide variant.
Coding change: c.1650C>A on transcript NM_024408.4 (MANE Select); coding-DNA position 1650, C replaced by A.
Protein change: p.His550Gln; replaces histidine 550 with glutamine.
Molecular consequence: missense variant.
Genome position (GRCh38, 1-based): chr1:119,965,484, G>T on the plus strand (C>A on the coding strand, the complement: NOTCH2 is on the minus strand). VCF-style: chr1-119965484-G-T. GRCh37 (hg19) VCF-style: chr1-120508107-G-T.
Other names: c.1650C>A, p.His550Gln (NM_001200001.2); short protein forms H550Q.
Identifiers: ClinVar variation 2062573 (VCV002062573.6), dbSNP rs782673217, ClinGen allele CA1040489.